The following is an entry in ClinVar:

ClinVar aggregate classification (germline): Likely benign. Review status: criteria provided, multiple submitters, no conflicts (2 of 4 stars). 3 submissions from 3 submitters: Likely benign (3). Last evaluated 2025-05-07.

Conditions:
PRDM13-related disorder. Also called: PRDM13-related condition.

Allele frequency attached by ClinVar (database versions not stated): TOPMed 0.00005; 1000 Genomes Project 30x 0.00016; gnomAD 0.00019; gnomAD exomes 0.00021.

Submissions (3):

PreventionGenetics, part of Exact Sciences
Classification: Likely benign for PRDM13-related condition. Last evaluated: 2025-05-07. Review status: criteria provided, single submitter. Criteria: ACMG Guidelines, 2015. Collection method: clinical testing. Allele origin: germline.
Comment: This variant is classified as likely benign based on ACMG/AMP sequence variant interpretation guidelines (Richards et al. 2015 PMID: 25741868, with internal and published modifications).

Labcorp Genetics (formerly Invitae), Labcorp
Classification: Likely benign. Last evaluated: 2025-03-17. Review status: criteria provided, single submitter. Criteria: Invitae Variant Classification Sherloc (09022015). Collection method: clinical testing. Allele origin: germline.

Blueprint Genetics
Classification: Likely benign. Last evaluated: 2023-06-27. Review status: criteria provided, single submitter. Criteria: ACMG Guidelines, 2015. Collection method: clinical testing. Allele origin: germline.

NM_021620.4(PRDM13):c.1153G>A (p.Ala385Thr)

Genes: PRDM13 (PR/SET domain 13; plus strand), LOC129996881 (ATAC-STARR-seq lymphoblastoid silent region 17422; plus strand). Cytogenetic location: 6q16.2.
Variant type: single nucleotide variant.
Coding change: c.1153G>A on transcript NM_021620.4 (MANE Select); coding-DNA position 1153, G replaced by A.
Protein change: p.Ala385Thr; replaces alanine 385 with threonine.
Molecular consequence: missense variant.
Genome position (GRCh38, 1-based): chr6:99,613,788, G>A. VCF-style: chr6-99613788-G-A. GRCh37 (hg19) VCF-style: chr6-100061664-G-A.
Other names: c.1153G>A (NM_021620.3); short protein forms A385T.
Identifiers: ClinVar variation 1148324 (VCV001148324.11), dbSNP rs887767617, ClinGen allele CA143975502.
Genomic context (GRCh38, chr6:99,613,788, plus strand): 5'-AAGTGCCTGCTCGCTGGGGACCCGCCGCCGCCGCCGCCGCCTGGCCTGCCCTGCTCTGGG[G>A]CCCTGCGCGGCTTCCCTCTGCTCTCCGTCCCCCCGGAAGAGGCGTCCGCCTTCAAGCACG-3'
Protein context (NP_067633.2, residues 375-395): PPPPGLPCSG[Ala385Thr]LRGFPLLSVP